The following is an entry in ClinVar:

NM_000179.3(MSH6):c.947G>T (p.Arg316Met)

Gene: MSH6 (mutS homolog 6; plus strand). Cytogenetic location: 2p16.3.
Variant type: single nucleotide variant.
Coding change: c.947G>T on transcript NM_000179.3 (MANE Select); coding-DNA position 947, G replaced by T.
Protein change: p.Arg316Met; replaces arginine 316 with methionine.
Molecular consequence: missense variant.
Genome position (GRCh38, 1-based): chr2:47,798,930, G>T. VCF-style: chr2-47798930-G-T. GRCh37 (hg19) VCF-style: chr2-48026069-G-T.
Other names: c.557G>T, p.Arg186Met (NM_001281492.2); c.41G>T, p.Arg14Met (NM_001281493.2, NM_001281494.2, NM_001406811.1 and 6 more transcripts); c.1043G>T, p.Arg348Met (NM_001406795.1, NM_001406802.1); c.947G>T, p.Arg316Met (NM_001406796.1, NM_001406798.1, NM_001406800.1 and 4 more transcripts); c.650G>T, p.Arg217Met (NM_001406797.1, NM_001406801.1, NM_001406805.1 and 10 more transcripts); c.422G>T, p.Arg141Met (NM_001406799.1, NM_001406806.1, NM_001406807.1); c.869G>T, p.Arg290Met (NM_001406804.1); c.953G>T, p.Arg318Met (NM_001406813.1); and 1 more; short protein forms R141M, R316M, R348M, R14M, R186M, R217M, R260M, R290M.
Identifiers: ClinVar variation 2110673 (VCV002110673.5), dbSNP rs562487553, ClinGen allele CA346740805.

ClinVar aggregate classification (germline): Uncertain significance. Review status: criteria provided, multiple submitters, no conflicts (2 of 4 stars). 2 submissions from 2 submitters: Uncertain significance (2). Last evaluated 2025-09-12.

Conditions:
Hereditary nonpolyposis colorectal neoplasms. Identifiers: MedGen C0009405, MeSH D003123.
Hereditary cancer-predisposing syndrome. Also called: Neoplastic Syndromes, Hereditary; Hereditary Cancer Syndrome; Hereditary neoplastic syndrome; Tumor predisposition. Identifiers: Orphanet 140162, MedGen C0027672, MeSH D009386, MONDO:0015356.

Allele frequency attached by ClinVar (database versions not stated): TOPMed below 0.00001.

Submissions (2):

Ambry Genetics
Classification: Uncertain significance for Hereditary cancer-predisposing syndrome. Last evaluated: 2025-09-12. Review status: criteria provided, single submitter. Criteria: Ambry Variant Classification Scheme 2023. Collection method: clinical testing. Allele origin: germline.
Comment: The p.R316M variant (also known as c.947G>T), located in coding exon 4 of the MSH6 gene, results from a G to T substitution at nucleotide position 947. The arginine at codon 316 is replaced by methionine, an amino acid with similar properties. This amino acid position is poorly conserved in available vertebrate species. In addition, the in silico prediction for this alteration is inconclusive. Based on the available evidence, the clinical significance of this variant remains unclear.

Labcorp Genetics (formerly Invitae), Labcorp
Classification: Uncertain significance for Hereditary nonpolyposis colorectal neoplasms. Last evaluated: 2022-03-13. Review status: criteria provided, single submitter. Criteria: Invitae Variant Classification Sherloc (09022015). Collection method: clinical testing. Allele origin: germline.
Comment: In summary, the available evidence is currently insufficient to determine the role of this variant in disease. Therefore, it has been classified as a Variant of Uncertain Significance. Advanced modeling of protein sequence and biophysical properties (such as structural, functional, and spatial information, amino acid conservation, physicochemical variation, residue mobility, and thermodynamic stability) performed at Invitae indicates that this missense variant is not expected to disrupt MSH6 protein function. This variant has not been reported in the literature in individuals affected with MSH6-related conditions. This variant is not present in population databases (gnomAD no frequency). This sequence change replaces arginine, which is basic and polar, with methionine, which is neutral and non-polar, at codon 316 of the MSH6 protein (p.Arg316Met).